The following is an entry in ClinVar:

NM_015692.5(CPAMD8):c.867+8A>G

Gene: CPAMD8 (C3 and PZP like alpha-2-macroglobulin domain containing 8; minus strand). Cytogenetic location: 19p13.11.
Variant type: single nucleotide variant.
Coding change: c.867+8A>G on transcript NM_015692.5 (MANE Select); 8 bases into the intron after coding-DNA position 867, A replaced by G.
Molecular consequence: intron variant.
Genome position (GRCh38, 1-based): chr19:17,000,406, T>C on the plus strand (A>G on the coding strand, the complement: CPAMD8 is on the minus strand). VCF-style: chr19-17000406-T-C. GRCh37 (hg19) VCF-style: chr19-17111216-T-C.
Identifiers: ClinVar variation 789114 (VCV000789114.10), dbSNP rs139279813, ClinGen allele CA9285924.

ClinVar aggregate classification (germline): Benign. Review status: criteria provided, multiple submitters, no conflicts (2 of 4 stars). 3 submissions from 3 submitters: Benign (2). 1 of the submissions does not count toward it. Last evaluated 2025-10-06.

Conditions:
CPAMD8-related disorder. Also called: CPAMD8-related condition.

Allele frequency attached by ClinVar (database versions not stated): gnomAD exomes 0.00091 and 0.00221; ExAC 0.00287; 1000 Genomes Project 0.00879; gnomAD 0.00903 and 0.00969; ESP Exome Variant Server 0.00978; TOPMed 0.00992; 1000 Genomes Project 30x 0.01046.
gnomAD v4.1: 2,349 of 1,191,152 alleles (0.2%); highest among the groups gnomAD compares: African/African-American, 3.2%; 40 homozygotes.

Submissions (3):

Labcorp Genetics (formerly Invitae), Labcorp
Classification: Benign. Last evaluated: 2025-10-06. Review status: criteria provided, single submitter. Criteria: Invitae Variant Classification Sherloc (09022015). Collection method: clinical testing. Allele origin: germline.

Breakthrough Genomics
Classification: Benign. Review status: criteria provided, single submitter. Criteria: ACMG Guidelines, 2015. Collection method: not provided. Allele origin: germline. Inheritance: Autosomal recessive inheritance. Affected: yes.

PreventionGenetics, part of Exact Sciences
Classification: Likely benign for CPAMD8-related condition. Last evaluated: 2024-07-10. Review status: no assertion criteria provided. Collection method: clinical testing. Allele origin: germline. Not counted in ClinVar's aggregate classification.
Comment: This variant is classified as likely benign based on ACMG/AMP sequence variant interpretation guidelines (Richards et al. 2015 PMID: 25741868, with internal and published modifications).